The following is an entry in ClinVar:

NM_000742.4(CHRNA2):c.1243G>A (p.Val415Met)

Gene: CHRNA2 (cholinergic receptor nicotinic alpha 2 subunit; minus strand). Cytogenetic location: 8p21.2.
Variant type: single nucleotide variant.
Coding change: c.1243G>A on transcript NM_000742.4 (MANE Select); coding-DNA position 1243, G replaced by A.
Protein change: p.Val415Met; replaces valine 415 with methionine.
Molecular consequence: missense variant.
Genome position (GRCh38, 1-based): chr8:27,463,200, C>T on the plus strand (G>A on the coding strand, the complement: CHRNA2 is on the minus strand). VCF-style: chr8-27463200-C-T. GRCh37 (hg19) VCF-style: chr8-27320717-C-T.
Other names: c.1198G>A, p.Val400Met (NM_001282455.2); c.766G>A, p.Val256Met (NM_001347705.2, NM_001347706.2); c.649G>A, p.Val217Met (NM_001347707.2, NM_001347708.2); short protein forms V217M, V415M, V256M, V400M.
Identifiers: ClinVar variation 2887863 (VCV002887863.3), dbSNP rs868127322, ClinGen allele CA174241354.

ClinVar aggregate classification (germline): Uncertain significance (1 of 4 stars; one submission).

Conditions:
Familial sleep-related hypermotor epilepsy. Also called: Autosomal Dominant Sleep-Related Hypermotor (Hyperkinetic) Epilepsy. Identifiers: Orphanet 98784, MedGen C3696898, MONDO:0000030.

Submission:

Labcorp Genetics (formerly Invitae), Labcorp
Classification: Uncertain significance. Last evaluated: 2023-05-03. Review status: criteria provided, single submitter. Criteria: Invitae Variant Classification Sherloc (09022015). Collection method: clinical testing. Allele origin: germline.
Comment: This variant has not been reported in the literature in individuals affected with CHRNA2-related conditions. This variant is not present in population databases (gnomAD no frequency). This sequence change replaces valine, which is neutral and non-polar, with methionine, which is neutral and non-polar, at codon 415 of the CHRNA2 protein (p.Val415Met). Advanced modeling of protein sequence and biophysical properties (such as structural, functional, and spatial information, amino acid conservation, physicochemical variation, residue mobility, and thermodynamic stability) performed at Invitae indicates that this missense variant is not expected to disrupt CHRNA2 protein function. In summary, the available evidence is currently insufficient to determine the role of this variant in disease. Therefore, it has been classified as a Variant of Uncertain Significance.